The following is an entry in ClinVar:

NM_000548.5(TSC2):c.403G>A (p.Asp135Asn)

Gene: TSC2 (TSC complex subunit 2; plus strand). Cytogenetic location: 16p13.3.
Variant type: single nucleotide variant.
Coding change: c.403G>A on transcript NM_000548.5 (MANE Select); coding-DNA position 403, G replaced by A.
Protein change: p.Asp135Asn; replaces aspartic acid 135 with asparagine.
Molecular consequence: missense variant. On other transcripts: intron variant (1).
Genome position (GRCh38, 1-based): chr16:2,054,362, G>A. VCF-style: chr16-2054362-G-A. GRCh37 (hg19) VCF-style: chr16-2104363-G-A.
Other names: c.403G>A (NM_000548.3); c.403G>A, p.Asp135Asn (NM_001077183.3, NM_001114382.3, NM_001363528.2 and 3 more transcripts); c.292G>A, p.Asp98Asn (NM_001318827.2); c.256G>A, p.Asp86Asn (NM_001318829.2); c.436G>A, p.Asp146Asn (NM_001318832.2); c.-1-1834G>A (NM_001318831.2); short protein forms D98N, D146N, D135N, D86N.
Identifiers: ClinVar variation 1356117 (VCV001356117.9), dbSNP rs770439945, ClinGen allele CA050277.
Genomic context (GRCh38, chr16:2,054,362, plus strand): 5'-CGTTTGGGGGTCCTCAGAGCCCTCTTCTTTAAGGTCATCAAGGATTACCCTTCCAACGAA[G>A]ACCTTCACGAAAGGCTGGAGGTTTTCAAGGCCCTCACAGACAATGGGAGACACATCACCT-3'
Protein context (NP_000539.2, residues 125-145): KVIKDYPSNE[Asp135Asn]LHERLEVFKA

ClinVar aggregate classification (germline): Conflicting classifications of pathogenicity. Review status: criteria provided, conflicting classifications (1 of 4 stars). 2 submissions from 2 submitters: Uncertain significance (1); Benign (1). Last evaluated 2026-02-27.

Conditions:
Tuberous sclerosis 2 (TSC2). Identifiers: Orphanet 805, MedGen C1860707, MONDO:0013199, OMIM 613254.
Hereditary cancer-predisposing syndrome. Also called: Hereditary neoplastic syndrome; Tumor predisposition; Neoplastic Syndromes, Hereditary; Hereditary Cancer Syndrome. Identifiers: Orphanet 140162, MedGen C0027672, MeSH D009386, MONDO:0015356.

Allele frequency attached by ClinVar (database versions not stated): gnomAD exomes below 0.00001; ExAC 0.00001.
gnomAD v4.1: 1 of 1,614,220 alleles (0.000062%); highest among the groups gnomAD compares: Non-Finnish European, 0.000085%; no homozygotes.

Submissions (2):

Ambry Genetics
Classification: Uncertain significance for Hereditary cancer-predisposing syndrome. Last evaluated: 2026-02-27. Review status: criteria provided, single submitter. Criteria: Ambry Variant Classification Scheme 2023. Collection method: clinical testing. Allele origin: germline.
Comment: The p.D135N variant (also known as c.403G>A), located in coding exon 4 of the TSC2 gene, results from a G to A substitution at nucleotide position 403. The aspartic acid at codon 135 is replaced by asparagine, an amino acid with highly similar properties. This amino acid position is well conserved in available vertebrate species. In addition, the in silico prediction for this alteration is inconclusive. Based on the available evidence, the clinical significance of this variant remains unclear.

Labcorp Genetics (formerly Invitae), Labcorp
Classification: Benign for Tuberous sclerosis 2. Last evaluated: 2022-08-09. Review status: criteria provided, single submitter. Criteria: Invitae Variant Classification Sherloc (09022015). Collection method: clinical testing. Allele origin: germline.